The following is an entry in ClinVar:

ClinVar aggregate classification (germline): Uncertain significance. Review status: criteria provided, multiple submitters, no conflicts (2 of 4 stars). 2 submissions from 2 submitters: Uncertain significance (2). Last evaluated 2025-04-27.

Conditions:
DPM3-congenital disorder of glycosylation (MDDGC15). Also called: CDG Io; CDG1(DPM3); DPM3-CDG; MUSCULAR DYSTROPHY-DYSTROGLYCANOPATHY (LIMB-GIRDLE), TYPE C, 15. Identifiers: Orphanet 263494, MedGen C2752007, MONDO:0013049, OMIM 612937.

Allele frequency attached by ClinVar (database versions not stated): gnomAD exomes below 0.00001 and 0.00001; ExAC 0.00001; gnomAD 0.00001; TOPMed 0.00003.
gnomAD v4.1: 6 of 1,610,896 alleles (0.00037%); highest among the groups gnomAD compares: Admixed American, 0.0033%; no homozygotes.

Submissions (2):

GeneDx
Classification: Uncertain significance. Last evaluated: 2025-04-27. Review status: criteria provided, single submitter. Criteria: GeneDx Variant Classification Process June 2021. Collection method: clinical testing. Allele origin: germline. Affected: yes.
Comment: Has not been previously published as pathogenic or benign to our knowledge; Not observed at significant frequency in large population cohorts (gnomAD); In silico analysis supports that this missense variant has a deleterious effect on protein structure/function

Labcorp Genetics (formerly Invitae), Labcorp
Classification: Uncertain significance for DPM3-congenital disorder of glycosylation. Last evaluated: 2022-07-26. Review status: criteria provided, single submitter. Criteria: Invitae Variant Classification Sherloc (09022015). Collection method: clinical testing. Allele origin: germline.
Comment: This sequence change replaces glycine, which is neutral and non-polar, with glutamic acid, which is acidic and polar, at codon 89 of the DPM3 protein (p.Gly89Glu). This variant is present in population databases (rs758821383, gnomAD 0.003%). This variant has not been reported in the literature in individuals affected with DPM3-related conditions. ClinVar contains an entry for this variant (Variation ID: 853040). Algorithms developed to predict the effect of missense changes on protein structure and function (SIFT, PolyPhen-2, Align-GVGD) all suggest that this variant is likely to be disruptive. In summary, the available evidence is currently insufficient to determine the role of this variant in disease. Therefore, it has been classified as a Variant of Uncertain Significance.

NM_153741.2(DPM3):c.266G>A (p.Gly89Glu)

Gene: DPM3 (dolichyl-phosphate mannosyltransferase subunit 3, regulatory; minus strand). Cytogenetic location: 1q22.
Variant type: single nucleotide variant.
Coding change: c.266G>A on transcript NM_153741.2 (MANE Select); coding-DNA position 266, G replaced by A.
Protein change: p.Gly89Glu; replaces glycine 89 with glutamic acid.
Molecular consequence: missense variant.
Genome position (GRCh38, 1-based): chr1:155,139,975, C>T on the plus strand (G>A on the coding strand, the complement: DPM3 is on the minus strand). VCF-style: chr1-155139975-C-T. GRCh37 (hg19) VCF-style: chr1-155112451-C-T.
Other names: c.356G>A, p.Gly119Glu (NM_018973.4); short protein forms G119E, G89E.
Identifiers: ClinVar variation 853040 (VCV000853040.8), dbSNP rs758821383, ClinGen allele CA1138399.